The following is an entry in ClinVar:

ClinVar aggregate classification (germline): Pathogenic (1 of 4 stars; one submission).

Conditions:
Maple syrup urine disease (MSUD). Identifiers: Orphanet 511, MedGen C0024776, MeSH D008375, MONDO:0009563. Disease mechanism: loss of function.

Submission:

Labcorp Genetics (formerly Invitae), Labcorp
Classification: Pathogenic for Maple syrup urine disease. Last evaluated: 2023-02-24. Review status: criteria provided, single submitter. Criteria: Invitae Variant Classification Sherloc (09022015). Collection method: clinical testing. Allele origin: germline.
Comment: For these reasons, this variant has been classified as Pathogenic. This variant has not been reported in the literature in individuals affected with BCKDHB-related conditions. This variant is not present in population databases (gnomAD no frequency). This sequence change creates a premature translational stop signal (p.Leu304Argfs*15) in the BCKDHB gene. It is expected to result in an absent or disrupted protein product. Loss-of-function variants in BCKDHB are known to be pathogenic (PMID: 16786533, 22593002).

Literature cited by the submitters: PubMed 16786533; PubMed 22593002.

NM_183050.4(BCKDHB):c.907_910dup (p.Leu304fs)

Gene: BCKDHB (branched chain keto acid dehydrogenase E1 subunit beta; plus strand). Cytogenetic location: 6q14.1.
Variant type: Duplication.
Coding change: c.907_910dup on transcript NM_183050.4 (MANE Select); coding-DNA positions 907 to 910, 4 bases duplicated (GATC; older notation c.907_910dupGATC).
Protein change: p.Leu304fs; shifts the reading frame from leucine 304.
Molecular consequence: frameshift variant. On other transcripts: non-coding transcript variant (6).
Genome position (GRCh38, 1-based): chr6:80,203,168-80,203,171, GATC duplicated. VCF-style (leftmost placement, unchanged base first): chr6-80203167-T-TGATC. GRCh37 (hg19) VCF-style: chr6-80912884-T-TGATC.
Other names: c.907_910dup, p.Leu304fs (NM_000056.5, NM_001424035.1, NM_001424036.1 and 7 more transcripts); c.697_700dup, p.Leu234fs (NM_001318975.1, NM_001424043.1); short protein forms L234fs, L304fs.
Identifiers: ClinVar variation 2840484 (VCV002840484.3), dbSNP rs2482269247, ClinGen allele CA2739273290.